The following is an entry in ClinVar:

NM_000051.4(ATM):c.-47A>G

Gene: ATM (ATM serine/threonine kinase; plus strand). Cytogenetic location: 11q22.3.
Variant type: single nucleotide variant.
Coding change: c.-47A>G on transcript NM_000051.4 (MANE Select); 47 bases upstream of the start codon, A replaced by G.
Molecular consequence: 5 prime UTR variant.
Genome position (GRCh38, 1-based): chr11:108,223,170, A>G. VCF-style: chr11-108223170-A-G. GRCh37 (hg19) VCF-style: chr11-108093897-A-G.
Other names: c.-135A>G (NM_001351834.2); c.-47A>G (NM_001351835.2).
Identifiers: ClinVar variation 388798 (VCV000388798.1), dbSNP rs1057523231, ClinGen allele CA16606140.

ClinVar aggregate classification (germline): Likely benign (1 of 4 stars; one submission).

Submission:

GeneDx
Classification: Likely benign. Last evaluated: 2016-08-19. Review status: criteria provided, single submitter. Criteria: GeneDx Variant Classification (06012015). Collection method: clinical testing. Allele origin: germline. Affected: yes.
Comment: This variant is considered likely benign or benign based on one or more of the following criteria: it is a conservative change, it occurs at a poorly conserved position in the protein, it is predicted to be benign by multiple in silico algorithms, and/or has population frequency not consistent with disease.